The following is an entry in ClinVar:

ClinVar aggregate classification (germline): Likely benign. Review status: criteria provided, multiple submitters, no conflicts (2 of 4 stars). 2 submissions from 2 submitters: Likely benign (2). Last evaluated 2026-09-24.

Conditions:
COL9A3-related disorder. Also called: COL9A3-related condition.

Allele frequency attached by ClinVar (database versions not stated): ExAC below 0.00001; gnomAD 0.00001; TOPMed 0.00001.
gnomAD v4.1: 21 of 1,552,738 alleles (0.0014%); highest among the groups gnomAD compares: African/African-American, 0.0041%; no homozygotes.

Submissions (2):

PreventionGenetics, part of Exact Sciences
Classification: Likely benign for COL9A3-related condition. Last evaluated: 2026-09-24. Review status: criteria provided, single submitter. Criteria: ACMG Guidelines, 2015. Collection method: clinical testing. Allele origin: germline.
Comment: This variant is classified as likely benign based on ACMG/AMP sequence variant interpretation guidelines (Richards et al. 2015 PMID: 25741868, with internal and published modifications).

Labcorp Genetics (formerly Invitae), Labcorp
Classification: Likely benign. Last evaluated: 2025-12-08. Review status: criteria provided, single submitter. Criteria: Invitae Variant Classification Sherloc (09022015). Collection method: clinical testing. Allele origin: germline.

NM_001853.4(COL9A3):c.1815C>T (p.Gly605=)

Gene: COL9A3 (collagen type IX alpha 3 chain; plus strand). Cytogenetic location: 20q13.33.
Variant type: single nucleotide variant.
Coding change: c.1815C>T on transcript NM_001853.4 (MANE Select); coding-DNA position 1815, C replaced by T.
Protein change: p.Gly605=; no amino-acid change (glycine 605 retained).
Molecular consequence: synonymous variant.
Genome position (GRCh38, 1-based): chr20:62,838,712, C>T. VCF-style: chr20-62838712-C-T. GRCh37 (hg19) VCF-style: chr20-61470064-C-T.
Other names: c.1815C>T (NM_001853.3).
Identifiers: ClinVar variation 1007050 (VCV001007050.9), dbSNP rs528525698, ClinGen allele CA9950213.